The following is an entry in ClinVar:

ClinVar aggregate classification (germline): Uncertain significance (1 of 4 stars; one submission).

Submission:

GeneDx
Classification: Uncertain significance. Last evaluated: 2025-05-10. Review status: criteria provided, single submitter. Criteria: GeneDx Variant Classification Process June 2021. Collection method: clinical testing. Allele origin: germline. Affected: yes.
Comment: Not observed at significant frequency in large population cohorts (gnomAD); In silico analysis suggests that this missense variant does not alter protein structure/function; Has not been previously published as pathogenic or benign to our knowledge

NM_000381.4(MID1):c.1268G>C (p.Gly423Ala)

Gene: MID1 (midline 1; minus strand). Cytogenetic location: Xp22.2.
Variant type: single nucleotide variant.
Coding change: c.1268G>C on transcript NM_000381.4 (MANE Select); coding-DNA position 1268, G replaced by C.
Protein change: p.Gly423Ala; replaces glycine 423 with alanine.
Molecular consequence: missense variant.
Genome position (GRCh38, 1-based): chrX:10,469,714, C>G on the plus strand (G>C on the coding strand, the complement: MID1 is on the minus strand). VCF-style: chrX-10469714-C-G. GRCh37 (hg19) VCF-style: chrX-10437754-C-G.
Other names: c.1268G>C, p.Gly423Ala (NM_001098624.2, NM_001193277.1, NM_001193279.1 and 2 more transcripts); c.1421G>C, p.Gly474Ala (NM_001193278.1); c.1154G>C, p.Gly385Ala (NM_001193280.1, NM_033289.2); short protein forms G385A, G423A, G474A.
Identifiers: ClinVar variation 4528167 (VCV004528167.1).